The following is an entry in ClinVar:

ClinVar aggregate classification (germline): Uncertain significance (1 of 4 stars; one submission).

Conditions:
Hypertrophic cardiomyopathy. Also called: HYPERTROPHIC MYOCARDIOPATHY. Identifiers: Orphanet 217569, MedGen C0007194, MeSH D002312, MONDO:0005045, HP:0001639.

Submission:

Labcorp Genetics (formerly Invitae), Labcorp
Classification: Uncertain significance for Hypertrophic cardiomyopathy. Last evaluated: 2021-06-17. Review status: criteria provided, single submitter. Criteria: Invitae Variant Classification Sherloc (09022015). Collection method: clinical testing. Allele origin: germline.
Comment: This variant is found within a region of MYH7 between codons 181 and 937 that contains the majority of the myosin head domain. Missense variants in this region have been shown to be significantly overrepresented in individuals with hypertrophic cardiomyopathy (PMID: 27532257). In summary, the available evidence is currently insufficient to determine the role of this variant in disease. Therefore, it has been classified as a Variant of Uncertain Significance. Algorithms developed to predict the effect of missense changes on protein structure and function (SIFT, PolyPhen-2, Align-GVGD) all suggest that this variant is likely to be disruptive, but these predictions have not been confirmed by published functional studies and their clinical significance is uncertain. This sequence change replaces arginine with serine at codon 780 of the MYH7 protein (p.Arg780Ser). The arginine residue is highly conserved and there is a moderate physicochemical difference between arginine and serine. This variant is not present in population databases (ExAC no frequency). This variant has not been reported in the literature in individuals with MYH7-related conditions.

Literature cited by the submitters: PubMed 27532257.

NM_000257.4(MYH7):c.2340G>T (p.Arg780Ser)

Genes: MYH7 (myosin heavy chain 7; minus strand), LOC126861898 (BRD4-independent group 4 enhancer GRCh37_chr14:23893609-23894808; plus strand). Cytogenetic location: 14q11.2.
Variant type: single nucleotide variant.
Coding change: c.2340G>T on transcript NM_000257.4 (MANE Select); coding-DNA position 2340, G replaced by T.
Protein change: p.Arg780Ser; replaces arginine 780 with serine.
Molecular consequence: missense variant.
Genome position (GRCh38, 1-based): chr14:23,425,365, C>A on the plus strand (G>T on the coding strand, the complement: MYH7 is on the minus strand). VCF-style: chr14-23425365-C-A. GRCh37 (hg19) VCF-style: chr14-23894574-C-A.
Other names: short protein forms R780S.
Identifiers: ClinVar variation 1469006 (VCV001469006.8), dbSNP rs2138667201, ClinGen allele CA389048613.